The following is an entry in ClinVar:

NM_001854.4(COL11A1):c.4085G>T (p.Arg1362Leu)

Gene: COL11A1 (collagen type XI alpha 1 chain; minus strand). Cytogenetic location: 1p21.1.
Variant type: single nucleotide variant.
Coding change: c.4085G>T on transcript NM_001854.4 (MANE Select); coding-DNA position 4085, G replaced by T.
Protein change: p.Arg1362Leu; replaces arginine 1362 with leucine.
Molecular consequence: missense variant. On other transcripts: non-coding transcript variant (1).
Genome position (GRCh38, 1-based): chr1:102,912,160, C>A on the plus strand (G>T on the coding strand, the complement: COL11A1 is on the minus strand). VCF-style: chr1-102912160-C-A. GRCh37 (hg19) VCF-style: chr1-103377716-C-A.
Other names: c.3968G>T, p.Arg1323Leu (NM_001190709.2); c.4121G>T, p.Arg1374Leu (NM_080629.3); c.3737G>T, p.Arg1246Leu (NM_080630.4); short protein forms R1246L, R1323L, R1362L, R1374L.
Identifiers: ClinVar variation 3623439 (VCV003623439.2).

ClinVar aggregate classification (germline): Uncertain significance (1 of 4 stars; one submission).

gnomAD v4.1: 3 of 1,609,504 alleles (0.00019%); highest among the groups gnomAD compares: Non-Finnish European, 0.00025%; no homozygotes.

Submission:

Labcorp Genetics (formerly Invitae), Labcorp
Classification: Uncertain significance. Last evaluated: 2024-07-17. Review status: criteria provided, single submitter. Criteria: Invitae Variant Classification Sherloc (09022015). Collection method: clinical testing. Allele origin: germline.
Comment: This sequence change replaces arginine, which is basic and polar, with leucine, which is neutral and non-polar, at codon 1362 of the COL11A1 protein (p.Arg1362Leu). This variant is not present in population databases (gnomAD no frequency). This variant has not been reported in the literature in individuals affected with COL11A1-related conditions. Advanced modeling of protein sequence and biophysical properties (such as structural, functional, and spatial information, amino acid conservation, physicochemical variation, residue mobility, and thermodynamic stability) performed at Invitae indicates that this missense variant is not expected to disrupt COL11A1 protein function with a negative predictive value of 80%. In summary, the available evidence is currently insufficient to determine the role of this variant in disease. Therefore, it has been classified as a Variant of Uncertain Significance.